The following is an entry in ClinVar:

NM_024675.4(PALB2):c.2935A>C (p.Ser979Arg)

Gene: PALB2 (partner and localizer of BRCA2; minus strand). Cytogenetic location: 16p12.2.
Variant type: single nucleotide variant.
Coding change: c.2935A>C on transcript NM_024675.4 (MANE Select); coding-DNA position 2935, A replaced by C.
Protein change: p.Ser979Arg; replaces serine 979 with arginine.
Molecular consequence: missense variant.
Genome position (GRCh38, 1-based): chr16:23,623,030, T>G on the plus strand (A>C on the coding strand, the complement: PALB2 is on the minus strand). VCF-style: chr16-23623030-T-G. GRCh37 (hg19) VCF-style: chr16-23634351-T-G.
Other names: short protein forms S979R.
Identifiers: ClinVar variation 216749 (VCV000216749.9), dbSNP rs751227032, ClinGen allele CA337970.

ClinVar aggregate classification (germline): Uncertain significance (1 of 4 stars; one submission).

Conditions:
Familial cancer of breast. Also called: Hereditary breast cancer; BREAST CANCER, FAMILIAL; hereditary breast carcinoma. Identifiers: Orphanet 227535, MedGen C0346153, MONDO:0016419, OMIM 114480. Disease mechanism: loss of function.

Allele frequency attached by ClinVar (database versions not stated): gnomAD exomes below 0.00001; ExAC 0.00001; gnomAD 0.00001.

Submission:

Labcorp Genetics (formerly Invitae), Labcorp
Classification: Uncertain significance for Familial cancer of breast. Last evaluated: 2015-10-29. Review status: criteria provided, single submitter. Criteria: Invitae Variant Classification Sherloc (09022015). Collection method: clinical testing. Allele origin: germline.
Comment: In summary, this is a rare missense change with uncertain impact on protein function. It has been classified as a Variant of Uncertain Significance. Algorithms developed to predict the effect of missense changes on protein structure and function do not agree on the potential impact of this missense change (SIFT: "Deleterious"; PolyPhen-2: "Possibly Damaging"; Align-GVGD: "Class C0"). This variant is present in population databases (ExAC <0.01%) but has not been published in the literature. This sequence change replaces serine with arginine at codon 979 of the PALB2 protein (p.Ser979Arg). The serine residue is moderately conserved and there is a moderate physicochemical difference between serine and arginine.